The following is an entry in ClinVar:

ClinVar aggregate classification (germline): Benign/Likely benign. Review status: criteria provided, multiple submitters, no conflicts (2 of 4 stars). 12 submissions from 12 submitters: Benign (8); Likely benign (1). 3 of the submissions do not count toward it. Last evaluated 2026-02-01.

Conditions:
Cerebral arteriopathy, autosomal dominant, with subcortical infarcts and leukoencephalopathy, type 1 (CADASIL1). Also called: CASIL; Cerebral arteriopathy with subcortical infarcts and leukoencephalopathy 1; DEMENTIA, HEREDITARY MULTIINFARCT TYPE; CADASIL 1. Identifiers: Orphanet 136, MedGen C4551768, MONDO:0000914, OMIM 125310.

Allele frequency attached by ClinVar (database versions not stated): 1000 Genomes Project 30x 0.01593; 1000 Genomes Project 0.01617; ESP Exome Variant Server 0.02381; TOPMed 0.03016; gnomAD 0.03081 and 0.03162; gnomAD exomes 0.03190 and 0.03985; ExAC 0.03308.
gnomAD v4.1: 59,805 of 1,539,680 alleles (3.9%); highest among the groups gnomAD compares: Middle Eastern, 5.4%; 1,331 homozygotes.

Submissions (12):

Labcorp Genetics (formerly Invitae), Labcorp
Classification: Benign. Last evaluated: 2026-02-01. Review status: criteria provided, single submitter. Criteria: Invitae Variant Classification Sherloc (09022015). Collection method: clinical testing. Allele origin: germline.

Athena Diagnostics
Classification: Benign. Last evaluated: 2025-05-07. Review status: criteria provided, single submitter. Criteria: Athena Diagnostics Criteria. Collection method: clinical testing. Allele origin: unknown.
Comment: The frequency of this variant in the general population is higher than would generally be expected for pathogenic variants in this gene.

Blueprint Genetics
Classification: Likely benign. Last evaluated: 2024-11-28. Review status: criteria provided, single submitter. Criteria: ACMG Guidelines, 2015. Collection method: clinical testing. Allele origin: germline.

Mayo Clinic Laboratories, Mayo Clinic
Classification: Benign. Last evaluated: 2022-04-26. Review status: criteria provided, single submitter. Criteria: ACMG Guidelines, 2015. Collection method: clinical testing. Allele origin: germline. Observed: 222 variant alleles.

GeneDx
Classification: Benign. Last evaluated: 2021-05-04. Review status: criteria provided, single submitter. Criteria: GeneDx Variant Classification Process June 2021. Collection method: clinical testing. Allele origin: germline. Affected: yes.

ARUP Laboratories, Molecular Genetics and Genomics, ARUP Laboratories
Classification: Benign. Last evaluated: 2020-12-17. Review status: criteria provided, single submitter. Criteria: ARUP Molecular Germline Variant Investigation Process 2021. Collection method: clinical testing. Allele origin: germline.

Illumina Laboratory Services, Illumina
Classification: Benign for Cerebral arteriopathy, autosomal dominant, with subcortical infarcts and leukoencephalopathy, type 1. Last evaluated: 2018-01-13. Review status: criteria provided, single submitter. Criteria: ICSL Variant Classification Criteria 13 December 2019. Collection method: clinical testing. Allele origin: germline.
Comment: This variant was observed in the ICSL laboratory as part of a predisposition screen in an ostensibly healthy population. It had not been previously curated by ICSL or reported in the Human Gene Mutation Database (HGMD: prior to June 1st, 2018), and was therefore a candidate for classification through an automated scoring system. Utilizing variant allele frequency, disease prevalence and penetrance estimates, and inheritance mode, an automated score was calculated to assess if this variant is too frequent to cause the disease. Based on the score and internal cut-off values, a variant classified as benign is not then subjected to further curation. The score for this variant resulted in a classification of benign for this disease.

Breakthrough Genomics
Classification: Benign. Review status: criteria provided, single submitter. Criteria: ACMG Guidelines, 2015. Collection method: not provided. Allele origin: germline. Inheritance: Autosomal dominant inheritance. Affected: yes.

PreventionGenetics, part of Exact Sciences
Classification: Benign. Review status: criteria provided, single submitter. Criteria: ACMG Guidelines, 2015. Collection method: clinical testing. Allele origin: germline.

Clinical Genetics DNA and cytogenetics Diagnostics Lab, Erasmus MC, Erasmus Medical Center
Classification: Likely benign. Review status: no assertion criteria provided. Collection method: clinical testing. Allele origin: germline. Affected: yes. Study: VKGL Data-share Consensus. Not counted in ClinVar's aggregate classification.

Genome Diagnostics Laboratory, Amsterdam University Medical Center
Classification: Benign. Review status: no assertion criteria provided. Collection method: clinical testing. Allele origin: germline. Affected: yes. Study: VKGL Data-share Consensus. Not counted in ClinVar's aggregate classification.

Laboratory of Diagnostic Genome Analysis, Leiden University Medical Center (LUMC)
Classification: Likely benign. Review status: no assertion criteria provided. Collection method: clinical testing. Allele origin: germline. Affected: yes. Study: VKGL Data-share Consensus. Not counted in ClinVar's aggregate classification.

NM_000435.3(NOTCH3):c.6438G>A (p.Ala2146=)

Gene: NOTCH3 (notch receptor 3; minus strand). Cytogenetic location: 19p13.12.
Variant type: single nucleotide variant.
Coding change: c.6438G>A on transcript NM_000435.3 (MANE Select); coding-DNA position 6438, G replaced by A.
Protein change: p.Ala2146=; no amino-acid change (alanine 2146 retained).
Molecular consequence: synonymous variant.
Genome position (GRCh38, 1-based): chr19:15,161,190, C>T on the plus strand (G>A on the coding strand, the complement: NOTCH3 is on the minus strand). VCF-style: chr19-15161190-C-T. GRCh37 (hg19) VCF-style: chr19-15272001-C-T.
Other names: p.Ala2146=.
Identifiers: ClinVar variation 256151 (VCV000256151.32), dbSNP rs1044008, ClinGen allele CA9262369.